The following is an entry in ClinVar:

NM_006031.6(PCNT):c.7060G>A (p.Gly2354Arg)

Gene: PCNT (pericentrin; plus strand). Cytogenetic location: 21q22.3.
Variant type: single nucleotide variant.
Coding change: c.7060G>A on transcript NM_006031.6 (MANE Select); coding-DNA position 7060, G replaced by A.
Protein change: p.Gly2354Arg; replaces glycine 2354 with arginine.
Molecular consequence: missense variant.
Genome position (GRCh38, 1-based): chr21:46,422,005, G>A. VCF-style: chr21-46422005-G-A. GRCh37 (hg19) VCF-style: chr21-47841919-G-A.
Other names: c.6706G>A, p.Gly2236Arg (NM_001315529.2); short protein forms G2236R, G2354R.
Identifiers: ClinVar variation 3349486 (VCV003349486.1).

ClinVar aggregate classification (germline): Uncertain significance (0 of 4 stars; one submission).

Conditions:
PCNT-related disorder. Also called: PCNT-related condition.

Submission:

PreventionGenetics, part of Exact Sciences
Classification: Uncertain significance for PCNT-related condition. Last evaluated: 2024-02-28. Review status: no assertion criteria provided. Collection method: clinical testing. Allele origin: germline.
Comment: The PCNT c.7060G>A variant is predicted to result in the amino acid substitution p.Gly2354Arg. To our knowledge, this variant has not been reported in the literature or in a large population database, indicating this variant is rare. At this time, the clinical significance of this variant is uncertain due to the absence of conclusive functional and genetic evidence.